The following is an entry in ClinVar:

NM_020812.4(DOCK6):c.1506G>A (p.Pro502=)

Gene: DOCK6 (dedicator of cytokinesis 6; minus strand). Cytogenetic location: 19p13.2.
Variant type: single nucleotide variant.
Coding change: c.1506G>A on transcript NM_020812.4 (MANE Select); coding-DNA position 1506, G replaced by A.
Protein change: p.Pro502=; no amino-acid change (proline 502 retained).
Molecular consequence: synonymous variant.
Genome position (GRCh38, 1-based): chr19:11,242,182, C>T on the plus strand (G>A on the coding strand, the complement: DOCK6 is on the minus strand). VCF-style: chr19-11242182-C-T. GRCh37 (hg19) VCF-style: chr19-11352858-C-T.
Other names: c.1506G>A, p.Pro502= (NM_001367830.1).
Identifiers: ClinVar variation 4534191 (VCV004534191.6).

ClinVar aggregate classification (germline): Likely benign (1 of 4 stars; one submission).

gnomAD v4.1: 37 of 1,459,938 alleles (0.0025%); highest among the groups gnomAD compares: South Asian, 0.015%; no homozygotes.

Submission:

CeGaT Center for Human Genetics Tuebingen
Classification: Likely benign. Last evaluated: 2025-12-01. Review status: criteria provided, single submitter. Criteria: CeGaT Center For Human Genetics Tuebingen Variant Classification Criteria Version 2. Collection method: clinical testing. Allele origin: germline. Affected: yes. Observed: 1 variant allele.
Comment: DOCK6: BP4, BP7